The following is an entry in ClinVar:

ClinVar aggregate classification (germline): Uncertain significance. Review status: criteria provided, multiple submitters, no conflicts (2 of 4 stars). 2 submissions from 2 submitters: Uncertain significance (2). Last evaluated 2025-07-11.

Conditions:
Aortic aneurysm, familial thoracic 4 (AAT4). Also called: AORTIC ANEURYSM/AORTIC DISSECTION AND PATENT DUCTUS ARTERIOSUS. Identifiers: MedGen C1851504, MONDO:0007568, OMIM 132900.

Submissions (2):

Labcorp Genetics (formerly Invitae), Labcorp
Classification: Uncertain significance for Aortic aneurysm, familial thoracic 4. Last evaluated: 2025-07-11. Review status: criteria provided, single submitter. Criteria: Invitae Variant Classification Sherloc (09022015). Collection method: clinical testing. Allele origin: germline.
Comment: This sequence change replaces threonine, which is neutral and polar, with arginine, which is basic and polar, at codon 1918 of the MYH11 protein (p.Thr1918Arg). This variant is not present in population databases (gnomAD no frequency). This variant has not been reported in the literature in individuals affected with MYH11-related conditions. ClinVar contains an entry for this variant (Variation ID: 850077). Invitae Evidence Modeling of protein sequence and biophysical properties (such as structural, functional, and spatial information, amino acid conservation, physicochemical variation, residue mobility, and thermodynamic stability) indicates that this missense variant is not expected to disrupt MYH11 protein function with a negative predictive value of 95%. In summary, the available evidence is currently insufficient to determine the role of this variant in disease. Therefore, it has been classified as a Variant of Uncertain Significance.

Women's Health and Genetics/Laboratory Corporation of America, LabCorp
Classification: Uncertain significance. Last evaluated: 2021-01-28. Review status: criteria provided, single submitter. Criteria: LabCorp Variant Classification Summary - May 2015. Collection method: clinical testing. Allele origin: germline.
Comment: Variant summary: MYH11 c.5753C>G (p.Thr1918Arg) results in a non-conservative amino acid change located in the Myosin tail domain (IPR002928) of the encoded protein sequence. Four of five in-silico tools predict a damaging effect of the variant on protein function. The variant was absent in 251046 control chromosomes. The available data on variant occurrences in the general population are insufficient to allow any conclusion about variant significance. To our knowledge, no occurrence of c.5753C>G in individuals affected with Thoracic Aortic Aneurysms And Dissections and no experimental evidence demonstrating its impact on protein function have been reported. One clinical diagnostic laboratory has submitted clinical-significance assessments for this variant to ClinVar after 2014 without evidence for independent evaluation and classified the variant as uncertain significance. Based on the evidence outlined above, the variant was classified as uncertain significance.

NM_002474.3(MYH11):c.5732C>G (p.Thr1911Arg)

Genes: MYH11 (myosin heavy chain 11; minus strand), NDE1 (nudE neurodevelopment protein 1; plus strand). Cytogenetic location: 16p13.11.
Variant type: single nucleotide variant.
Coding change: c.5732C>G on transcript NM_002474.3 (MANE Select); coding-DNA position 5732, C replaced by G.
Protein change: p.Thr1911Arg; replaces threonine 1911 with arginine.
Molecular consequence: missense variant. On other transcripts: intron variant (2).
Genome position (GRCh38, 1-based): chr16:15,714,963, G>C on the plus strand (C>G on the coding strand, the complement: MYH11 is on the minus strand). VCF-style: chr16-15714963-G-C. GRCh37 (hg19) VCF-style: chr16-15808820-G-C.
Other names: c.5753C>G, p.Thr1918Arg (NM_001040113.2, NM_001040114.2); c.5732C>G, p.Thr1911Arg (NM_022844.3); c.948-9228G>C (NM_001143979.2, NM_017668.3); short protein forms T1911R, T1918R.
Identifiers: ClinVar variation 850077 (VCV000850077.10), dbSNP rs748516947, ClinGen allele CA394846515.
Genomic context (GRCh38, chr16:15,714,963, plus strand): 5'-CCTCACCTGAGCTTGCTCTTGAGTGCGTTCACCTCGCGGCCCATGGCCTCGTTGCTCTCC[G>C]TGGCCTCATCCAGCTCCCGCTGCAGCTTCCTGCGGTTGGCGTTGATGCGCTGGGACTCCT-3'
Protein context (NP_002465.1, residues 1901-1921): RKLQRELDEA[Thr1911Arg]ESNEAMGREV